The following is an entry in ClinVar:

ClinVar aggregate classification (germline): Uncertain significance. Review status: criteria provided, multiple submitters, no conflicts (2 of 4 stars). 2 submissions from 2 submitters: Uncertain significance (2). Last evaluated 2023-05-31.

Submissions (2):

Blueprint Genetics
Classification: Uncertain significance. Last evaluated: 2023-05-31. Review status: criteria provided, single submitter. Criteria: ACMG Guidelines, 2015. Collection method: clinical testing. Allele origin: germline.

Labcorp Genetics (formerly Invitae), Labcorp
Classification: Uncertain significance. Last evaluated: 2022-07-11. Review status: criteria provided, single submitter. Criteria: Invitae Variant Classification Sherloc (09022015). Collection method: clinical testing. Allele origin: germline.
Comment: This sequence change replaces alanine, which is neutral and non-polar, with threonine, which is neutral and polar, at codon 491 of the ABCA4 protein (p.Ala491Thr). This variant is not present in population databases (gnomAD no frequency). This variant has not been reported in the literature in individuals affected with ABCA4-related conditions. ClinVar contains an entry for this variant (Variation ID: 1497230). Advanced modeling of protein sequence and biophysical properties (such as structural, functional, and spatial information, amino acid conservation, physicochemical variation, residue mobility, and thermodynamic stability) performed at Invitae indicates that this missense variant is not expected to disrupt ABCA4 protein function. In summary, the available evidence is currently insufficient to determine the role of this variant in disease. Therefore, it has been classified as a Variant of Uncertain Significance.

NM_000350.3(ABCA4):c.1471G>A (p.Ala491Thr)

Gene: ABCA4 (ATP binding cassette subfamily A member 4; minus strand). Cytogenetic location: 1p22.1.
Variant type: single nucleotide variant.
Coding change: c.1471G>A on transcript NM_000350.3 (MANE Select); coding-DNA position 1471, G replaced by A.
Protein change: p.Ala491Thr; replaces alanine 491 with threonine.
Molecular consequence: missense variant.
Genome position (GRCh38, 1-based): chr1:94,077,773, C>T on the plus strand (G>A on the coding strand, the complement: ABCA4 is on the minus strand). VCF-style: chr1-94077773-C-T. GRCh37 (hg19) VCF-style: chr1-94543329-C-T.
Other names: c.1471G>A, p.Ala491Thr (NM_001425324.1); short protein forms A491T.
Identifiers: ClinVar variation 1497230 (VCV001497230.6), dbSNP rs757411893, ClinGen allele CA341281967.